The following is an entry in ClinVar:

ClinVar aggregate classification (germline): Likely benign. Review status: criteria provided, multiple submitters, no conflicts (2 of 4 stars). 2 submissions from 2 submitters: Likely benign (2). Last evaluated 2026-03-04.

Conditions:
TRMU-related disorder. Also called: TRMU-related condition.

Allele frequency attached by ClinVar (database versions not stated): gnomAD exomes below 0.00001 and 0.00001; ExAC 0.00001; TOPMed 0.00001.
gnomAD v4.1: 2 of 1,612,606 alleles (0.00012%); highest among the groups gnomAD compares: Admixed American, 0.0033%; no homozygotes.

Submissions (2):

PreventionGenetics, part of Exact Sciences
Classification: Likely benign for TRMU-related condition. Last evaluated: 2026-03-04. Review status: criteria provided, single submitter. Criteria: ACMG Guidelines, 2015. Collection method: clinical testing. Allele origin: germline.
Comment: This variant is classified as likely benign based on ACMG/AMP sequence variant interpretation guidelines (Richards et al. 2015 PMID: 25741868, with internal and published modifications).

Labcorp Genetics (formerly Invitae), Labcorp
Classification: Likely benign. Last evaluated: 2022-01-28. Review status: criteria provided, single submitter. Criteria: Invitae Variant Classification Sherloc (09022015). Collection method: clinical testing. Allele origin: germline.

NM_018006.5(TRMU):c.874-9A>G

Gene: TRMU (tRNA mitochondrial 2-thiouridylase; plus strand). Cytogenetic location: 22q13.31.
Variant type: single nucleotide variant.
Coding change: c.874-9A>G on transcript NM_018006.5 (MANE Select); 9 bases into the intron before coding-DNA position 874, A replaced by G.
Molecular consequence: intron variant.
Genome position (GRCh38, 1-based): chr22:46,355,435, A>G. VCF-style: chr22-46355435-A-G. GRCh37 (hg19) VCF-style: chr22-46751332-A-G.
Other names: c.874-9A>G (NM_001282785.2, NM_018006.4); c.532-9A>G (NM_001282782.2); c.454-9A>G (NM_001282783.2, NM_001282784.2).
Identifiers: ClinVar variation 1129861 (VCV001129861.10), dbSNP rs755021903, ClinGen allele CA10292306.